The following is an entry in ClinVar:

ClinVar aggregate classification (germline): Pathogenic/Likely pathogenic. Review status: criteria provided, multiple submitters, no conflicts (2 of 4 stars). 5 submissions from 5 submitters: Pathogenic (3); Likely pathogenic (2). Last evaluated 2024-08-06.

Conditions:
Wilson disease (WND). Also called: Wilson's disease. Identifiers: Orphanet 905, MedGen C0019202, MONDO:0010200, OMIM 277900. Disease mechanism: loss of function.

Allele frequency attached by ClinVar (database versions not stated): gnomAD exomes below 0.00001; TOPMed below 0.00001.

Submissions (5):

Women's Health and Genetics/Laboratory Corporation of America, LabCorp
Classification: Pathogenic for Wilson disease. Last evaluated: 2024-08-06. Review status: criteria provided, single submitter. Criteria: LabCorp Variant Classification Summary - May 2015. Collection method: clinical testing. Allele origin: germline.
Comment: Variant summary: ATP7B c.291dupT (p.Ala98CysfsX65) results in a premature termination codon, predicted to cause a truncation of the encoded protein or absence of the protein due to nonsense mediated decay, which are commonly known mechanisms for disease. The variant allele was found at a frequency of 4e-06 in 249376 control chromosomes. To our knowledge, no occurrence of c.291dupT in individuals affected with Wilson Disease and no experimental evidence demonstrating its impact on protein function have been reported. ClinVar contains an entry for this variant (Variation ID: 2679814). Based on the evidence outlined above, the variant was classified as pathogenic.

All of Us Research Program, National Institutes of Health
Classification: Pathogenic for Wilson disease. Last evaluated: 2024-03-24. Review status: criteria provided, single submitter. Criteria: ACMG Guidelines, 2015. Collection method: clinical testing. Allele origin: germline. Inheritance: Autosomal recessive inheritance. Observed: 1 variant allele, 1 heterozygote.
Comment: This variant inserts 1 nucleotide in exon 2/21 of the ATP7B gene, creating a frameshift and premature translation stop signal. This variant is expected to result in an absent or non-functional protein product. To our knowledge, this variant has not been reported in individuals affected with ATP7B-related disorders in the literature. This variant has been identified in 1/249376 chromosomes in the general population by the Genome Aggregation Database (gnomAD). Loss of ATP7B function is a known mechanism of disease. Based on the available evidence, this variant is classified as Pathogenic.

This study involves interpretation of variants in research participants for the purpose of population health screening. Participant phenotype was not available at the time of variant classification. Additional details can be found in publication PMID: 35346344, PMCID: PMC8962531

Fulgent Genetics
Classification: Likely pathogenic for Wilson disease. Last evaluated: 2024-03-14. Review status: criteria provided, single submitter. Criteria: ACMG Guidelines, 2015. Collection method: clinical testing. Allele origin: germline.

Color Diagnostics, LLC DBA Color Health
Classification: Pathogenic for Wilson disease. Last evaluated: 2024-01-29. Review status: criteria provided, single submitter. Criteria: ACMG Guidelines, 2015. Collection method: clinical testing. Allele origin: germline.
Comment: This variant inserts 1 nucleotide in exon 2/21 of the ATP7B gene, creating a frameshift and premature translation stop signal. This variant is expected to result in an absent or non-functional protein product. To our knowledge, this variant has not been reported in individuals affected with ATP7B-related disorders in the literature. This variant has been identified in 1/249376 chromosomes in the general population by the Genome Aggregation Database (gnomAD). Loss of ATP7B function is a known mechanism of disease. Based on the available evidence, this variant is classified as Pathogenic.

Baylor Genetics
Classification: Likely pathogenic for Wilson disease. Last evaluated: 2023-03-18. Review status: criteria provided, single submitter. Criteria: ACMG Guidelines, 2015. Collection method: clinical testing. Allele origin: unknown.

NM_000053.4(ATP7B):c.291dup (p.Ala98fs)

Gene: ATP7B (ATPase copper transporting beta; minus strand). Cytogenetic location: 13q14.3.
Variant type: Duplication.
Coding change: c.291dup on transcript NM_000053.4 (MANE Select); coding-DNA position 291, one base duplicated (T; older notation c.291dupT).
Protein change: p.Ala98fs; shifts the reading frame from alanine 98.
Molecular consequence: frameshift variant.
Genome position (GRCh38, 1-based): chr13:51,974,929, A duplicated on the plus strand (T on the coding strand, the reverse complement: ATP7B is on the minus strand). VCF-style (leftmost placement, unchanged base first): chr13-51974928-C-CA. GRCh37 (hg19) VCF-style: chr13-52549064-C-CA.
Other names: c.291dup, p.Ala98fs (NM_001406513.1, NM_001406514.1, NM_001406515.1 and 30 more transcripts); c.195dup, p.Ala66fs (NM_001406517.1, NM_001406518.1, NM_001406530.1 and 4 more transcripts); c.291dupT (NM_000053.4); short protein forms A66fs, A98fs.
Identifiers: ClinVar variation 2679814 (VCV002679814.5), dbSNP rs1566603492, ClinGen allele CA610425847.